The following is an entry in ClinVar:

ClinVar aggregate classification (germline): Uncertain significance (1 of 4 stars; one submission).

Submission:

Labcorp Genetics (formerly Invitae), Labcorp
Classification: Uncertain significance. Last evaluated: 2025-12-11. Review status: criteria provided, single submitter. Criteria: Invitae Variant Classification Sherloc (09022015). Collection method: clinical testing. Allele origin: germline.
Comment: This sequence change replaces alanine, which is neutral and non-polar, with glycine, which is neutral and non-polar, at codon 1245 of the GRIN2D protein (p.Ala1245Gly). The frequency data for this variant in the population databases is considered unreliable, as metrics indicate insufficient coverage at this position in the gnomAD database. This variant has not been reported in the literature in individuals affected with GRIN2D-related conditions. ClinVar contains an entry for this variant (Variation ID: 3621583). Invitae Evidence Modeling of protein sequence and biophysical properties (such as structural, functional, and spatial information, amino acid conservation, physicochemical variation, residue mobility, and thermodynamic stability) indicates that this missense variant is not expected to disrupt GRIN2D protein function with a negative predictive value of 95%. In summary, the available evidence is currently insufficient to determine the role of this variant in disease. Therefore, it has been classified as a Variant of Uncertain Significance.

NM_000836.4(GRIN2D):c.3734C>G (p.Ala1245Gly)

Gene: GRIN2D (glutamate ionotropic receptor NMDA type subunit 2D; plus strand). Cytogenetic location: 19q13.33.
Variant type: single nucleotide variant.
Coding change: c.3734C>G on transcript NM_000836.4 (MANE Select); coding-DNA position 3734, C replaced by G.
Protein change: p.Ala1245Gly; replaces alanine 1245 with glycine.
Molecular consequence: missense variant.
Genome position (GRCh38, 1-based): chr19:48,443,660, C>G. VCF-style: chr19-48443660-C-G. GRCh37 (hg19) VCF-style: chr19-48946917-C-G.
Other names: short protein forms A1245G.
Identifiers: ClinVar variation 3621583 (VCV003621583.2).